The following is an entry in ClinVar:

ClinVar aggregate classification (germline): Uncertain significance (1 of 4 stars; one submission).

Conditions:
Tumor predisposition syndrome 3 (TPDS3). Also called: Melanoma, cutaneous malignant, susceptibility to, 10; Glioma susceptibility 9; LONG TELOMERE SYNDROME, POT1-RELATED; POT1 Tumor Predisposition. Identifiers: Orphanet 618, MedGen C4014476, MONDO:0014368, OMIM 615848.

Submission:

Labcorp Genetics (formerly Invitae), Labcorp
Classification: Uncertain significance for Tumor predisposition syndrome 3. Last evaluated: 2022-05-04. Review status: criteria provided, single submitter. Criteria: Invitae Variant Classification Sherloc (09022015). Collection method: clinical testing. Allele origin: germline.
Comment: In summary, the available evidence is currently insufficient to determine the role of this variant in disease. Therefore, it has been classified as a Variant of Uncertain Significance. Algorithms developed to predict the effect of missense changes on protein structure and function output the following: SIFT: "Tolerated"; PolyPhen-2: "Benign"; Align-GVGD: "Class C0". The serine amino acid residue is found in multiple mammalian species, which suggests that this missense change does not adversely affect protein function. This variant has not been reported in the literature in individuals affected with POT1-related conditions. This variant is not present in population databases (gnomAD no frequency). This sequence change replaces glycine, which is neutral and non-polar, with serine, which is neutral and polar, at codon 19 of the POT1 protein (p.Gly19Ser).

NM_015450.3(POT1):c.55G>A (p.Gly19Ser)

Gene: POT1 (protection of telomeres 1; minus strand). Cytogenetic location: 7q31.33.
Variant type: single nucleotide variant.
Coding change: c.55G>A on transcript NM_015450.3 (MANE Select); coding-DNA position 55, G replaced by A.
Protein change: p.Gly19Ser; replaces glycine 19 with serine.
Molecular consequence: missense variant. On other transcripts: 5 prime UTR variant (1), non-coding transcript variant (3).
Genome position (GRCh38, 1-based): chr7:124,892,335, C>T on the plus strand (G>A on the coding strand, the complement: POT1 is on the minus strand). VCF-style: chr7-124892335-C-T. GRCh37 (hg19) VCF-style: chr7-124532389-C-T.
Other names: c.-208G>A (NM_001042594.2); short protein forms G19S.
Identifiers: ClinVar variation 2133633 (VCV002133633.4), dbSNP rs2116629790, ClinGen allele CA369066171.